The following is an entry in ClinVar:

NM_002691.4(POLD1):c.3040G>C (p.Gly1014Arg)

Gene: POLD1 (DNA polymerase delta 1, catalytic subunit; plus strand). Cytogenetic location: 19q13.33.
Variant type: single nucleotide variant.
Coding change: c.3040G>C on transcript NM_002691.4 (MANE Select); coding-DNA position 3040, G replaced by C.
Protein change: p.Gly1014Arg; replaces glycine 1014 with arginine.
Molecular consequence: missense variant. On other transcripts: non-coding transcript variant (1).
Genome position (GRCh38, 1-based): chr19:50,416,696, G>C. VCF-style: chr19-50416696-G-C. GRCh37 (hg19) VCF-style: chr19-50919953-G-C.
Other names: c.3040G>C, p.Gly1014Arg (NM_001256849.1); c.3118G>C, p.Gly1040Arg (NM_001308632.1); short protein forms G1040R, G1014R.
Identifiers: ClinVar variation 3646912 (VCV003646912.2).
Genomic context (GRCh38, chr19:50,416,696, plus strand): 5'-GTGCTCACGGGCAAGGTGGGCGGCCTCCTGGCCTTCGCCAAACGCCGCAACTGCTGCATT[G>C]GCTGCCGCACAGTGCTCAGCCACCAGGGTGAGCGGCCCTGGCCACTGGGCCCCCACTGGC-3'
Protein context (NP_002682.2, residues 1004-1024): AFAKRRNCCI[Gly1014Arg]CRTVLSHQGA

ClinVar aggregate classification (germline): Uncertain significance (1 of 4 stars; one submission).

Conditions:
POLD1-related polyposis and colorectal cancer syndrome (CRCS10). Also called: Colorectal cancer 10; COLORECTAL CANCER, SUSCEPTIBILITY TO, ON CHROMOSOME 19q; Colorectal cancer, susceptibility to, 10. Identifiers: Orphanet 220460, MedGen C2675481, MONDO:0012953, OMIM 612591.

Submission:

Labcorp Genetics (formerly Invitae), Labcorp
Classification: Uncertain significance for POLD1-related polyposis and colorectal cancer syndrome. Last evaluated: 2025-11-04. Review status: criteria provided, single submitter. Criteria: Invitae Variant Classification Sherloc (09022015). Collection method: clinical testing. Allele origin: germline.
Comment: This sequence change replaces glycine, which is neutral and non-polar, with arginine, which is basic and polar, at codon 1014 of the POLD1 protein (p.Gly1014Arg). This variant is not present in population databases (gnomAD no frequency). This variant has not been reported in the literature in individuals affected with POLD1-related conditions. ClinVar contains an entry for this variant (Variation ID: 3646912). Invitae Evidence Modeling of protein sequence and biophysical properties (such as structural, functional, and spatial information, amino acid conservation, physicochemical variation, residue mobility, and thermodynamic stability) indicates that this missense variant is not expected to disrupt POLD1 protein function with a negative predictive value of 80%. In summary, the available evidence is currently insufficient to determine the role of this variant in disease. Therefore, it has been classified as a Variant of Uncertain Significance.